The following is an entry in ClinVar:

NM_024537.4(CARS2):c.24_35del (p.Gly9_Pro12del)

Genes: CARS2 (cysteinyl-tRNA synthetase 2, mitochondrial; minus strand), LOC130010127 (ATAC-STARR-seq lymphoblastoid silent region 5509; plus strand). Cytogenetic location: 13q34.
Variant type: Deletion.
Coding change: c.24_35del on transcript NM_024537.4 (MANE Select); coding-DNA positions 24 to 35, 12 bases deleted (AGGCCTGGGCCC).
Protein change: p.Gly9_Pro12del.
Molecular consequence: inframe deletion. On other transcripts: non-coding transcript variant (1), intron variant (1).
Genome position (GRCh38, 1-based): chr13:110,706,059-110,706,070, GGGCCCAGGCCT deleted on the plus strand (AGGCCTGGGCCC on the coding strand, the reverse complement: CARS2 is on the minus strand); deleting any 12 consecutive bases within chr13:110,706,059-110,706,075 gives the same sequence; the c. name uses the placement nearest the transcript's 3' end. VCF-style (leftmost placement, unchanged base first): chr13-110706058-GGGGCCCAGGCCT-G. GRCh37 (hg19) VCF-style: chr13-111358405-GGGGCCCAGGCCT-G.
Other names: c.24_35del, p.Gly9_Pro12del (NM_001352253.3); c.-776+301_-776+312del (NM_001352252.2).
Identifiers: ClinVar variation 2117551 (VCV002117551.4), dbSNP rs2502285251, ClinGen allele CA2580087210.

ClinVar aggregate classification (germline): Uncertain significance (1 of 4 stars; one submission).

Conditions:
Combined oxidative phosphorylation defect type 27. Also called: Combined oxidative phosphorylation deficiency 27. Identifiers: Orphanet 477774, MedGen C5567608, MONDO:0014728, OMIM 616672.

Submission:

Labcorp Genetics (formerly Invitae), Labcorp
Classification: Uncertain significance for Combined oxidative phosphorylation defect type 27. Last evaluated: 2022-09-27. Review status: criteria provided, single submitter. Criteria: Invitae Variant Classification Sherloc (09022015). Collection method: clinical testing. Allele origin: germline.
Comment: In summary, the available evidence is currently insufficient to determine the role of this variant in disease. Therefore, it has been classified as a Variant of Uncertain Significance. Experimental studies and prediction algorithms are not available or were not evaluated, and the functional significance of this variant is currently unknown. This variant has not been reported in the literature in individuals affected with CARS2-related conditions. This variant is not present in population databases (gnomAD no frequency). This variant, c.24_35del, results in the deletion of 4 amino acid(s) of the CARS2 protein (p.Gly9_Pro12del), but otherwise preserves the integrity of the reading frame.